The following is an entry in ClinVar:

ClinVar aggregate classification (germline): Uncertain significance (1 of 4 stars; one submission).

Conditions:
Catecholaminergic polymorphic ventricular tachycardia (CVPT). Also called: Catecholamine-induced polymorphic ventricular tachycardia. Identifiers: Orphanet 3286, MedGen C5574922, MONDO:0017990.

Submission:

All of Us Research Program, National Institutes of Health
Classification: Uncertain significance for Catecholaminergic polymorphic ventricular tachycardia. Last evaluated: 2023-12-01. Review status: criteria provided, single submitter. Criteria: ACMG Guidelines, 2015. Collection method: clinical testing. Allele origin: germline. Inheritance: Autosomal dominant inheritance. Observed: 1 variant allele, 1 heterozygote.
Comment: This study involves interpretation of variants in research participants for the purpose of population health screening. Participant phenotype was not available at the time of variant classification. Additional details can be found in publication PMID: 35346344, PMCID: PMC8962531

NM_001035.3(RYR2):c.5029T>C (p.Cys1677Arg)

Gene: RYR2 (ryanodine receptor 2; plus strand). Cytogenetic location: 1q43.
Variant type: single nucleotide variant.
Coding change: c.5029T>C on transcript NM_001035.3 (MANE Select); coding-DNA position 5029, T replaced by C.
Protein change: p.Cys1677Arg; replaces cysteine 1677 with arginine.
Molecular consequence: missense variant.
Genome position (GRCh38, 1-based): chr1:237,614,157, T>C. VCF-style: chr1-237614157-T-C. GRCh37 (hg19) VCF-style: chr1-237777457-T-C.
Other names: short protein forms C1677R.
Identifiers: ClinVar variation 3074178 (VCV003074178.1), dbSNP rs2546790776, ClinGen allele CA345403860.
Genomic context (GRCh38, chr1:237,614,157, plus strand): 5'-ACTCTCCGGCTCTACTCAGCCGTCTGTGCTCTTGGGAACCACCGGGTGGCCCATGCCCTG[T>C]GCAGCCATGTGGATGAACCTCAGCTCCTCTATGCCATTGAGAACAAGTACATGCCTGGTT-3'
Protein context (NP_001026.2, residues 1667-1687): LGNHRVAHAL[Cys1677Arg]SHVDEPQLLY